The following is an entry in ClinVar:

ClinVar aggregate classification (germline): Likely pathogenic. Review status: reviewed by expert panel (3 of 4 stars). 12 submissions from 12 submitters: Likely pathogenic (1). 11 of the submissions do not count toward it. Last evaluated 2024-06-11.

Conditions:
Inherited breast cancer and ovarian cancer.
BRCA2-related cancer predisposition. Identifiers: MedGen CN377758, MONDO:0700269.
Hereditary cancer-predisposing syndrome. Also called: Neoplastic Syndromes, Hereditary; Hereditary Cancer Syndrome; Tumor predisposition; Hereditary neoplastic syndrome. Identifiers: Orphanet 140162, MedGen C0027672, MeSH D009386, MONDO:0015356.
Hereditary breast ovarian cancer syndrome. Also called: BRCA1- and BRCA2-Associated Hereditary Breast and Ovarian Cancer; Hereditary breast and ovarian cancer syndrome (HBOC); Hereditary breast and ovarian cancer syndrome; Hereditary breast and ovarian cancer; Hereditary breast and/or ovarian cancer syndrome; Breast and ovarian cancer. Identifiers: Orphanet 145, MedGen C0677776, MeSH D061325, MONDO:0003582. Disease mechanism: loss of function.
Breast-ovarian cancer, familial, susceptibility to, 2 (BROVCA2). Also called: BRCA2 Hereditary Breast and Ovarian Cancer. Identifiers: Orphanet 145, MedGen C2675520, MONDO:0012933, OMIM 612555. Disease mechanism: loss of function.
Familial cancer of breast. Also called: Hereditary breast cancer; hereditary breast carcinoma; BREAST CANCER, FAMILIAL. Identifiers: Orphanet 227535, MedGen C0346153, MONDO:0016419, OMIM 114480. Disease mechanism: loss of function.

Allele frequency attached by ClinVar (database versions not stated): TOPMed 0.00001; ExAC 0.00002; 1000 Genomes Project 30x 0.00016; 1000 Genomes Project 0.00020; gnomAD exomes below 0.00001; gnomAD 0.00001.
gnomAD v4.1: 4 of 1,590,500 alleles (0.00025%); highest among the groups gnomAD compares: African/African-American, 0.0054%; no homozygotes.

Submissions 1 to 6 of 12:

ClinGen ENIGMA BRCA1 and BRCA2 Variant Curation Expert Panel, ClinGen
Classification: Likely pathogenic for BRCA2-related cancer predisposition. Last evaluated: 2024-06-11. Review status: reviewed by expert panel. Criteria: CSpec BRCA1/2ACMG Rules Specifications V1.0. Collection method: curation. Allele origin: germline. Inheritance: Autosomal dominant inheritance.
Comment: The c.632-3C>G variant is an intronic variant occurring in intron 7 of the BRCA2 gene. This variant is present in gnomAD v2.1 (exomes only, non-cancer subset) or gnomAD v3.1 (non-cancer subset) but is below the ENIGMA BRCA1/2 VCEP threshold >0.00002 for BS1_Supporting (PM2_Supporting, BS1, and BA1 are not met). This variant is reported to result in aberrant mRNA splicing. RT-PCR and Mini-gene assays demonstrated that the variant impacts splicing by creating a new acceptor splice site, resulting in retention of 2bp from intron 7, which leads to a frameshift and generates a premature stop codon (PMIDs: 30883759, 32123317, 22505045). Reduced expression of aberrant transcript reported by one assay suggesting potential incomplete expression of the aberrant transcript (Ambry internal contributor). Appropriate code strength determined by comparison of results to PVS1 decision tree PVS1 (RNA) was downgraded to PVS1_Moderate (RNA). This variant has been detected in 2 siblings with phenotype consistent with BRCA2-Fanconi Anemia (FA). At least two clinical features of FA (physical features, pathology findings and cancer diagnosis <=5yr) and confirmed chromosome breakage, are seen in these individuals. Both siblings were homozygous for the variant. Total points equated to 2 (PM3 met; PMID: 25381700). Multifactorial likelihood ratio analysis using clinically calibrated data produced a combined LR for this variant of 12.477 (based on Pathology LR=1.07; Co-occurrence LR=1.0498; Family History LR=11.107), within the thresholds for Moderate evidence towards pathogenicity (LR >4.3 & <=18.7) (PP4_Moderate met; PMID: 31131967, 31853058). In summary, this variant meets the criteria to be classified as a Likely pathogenic variant for BRCA2-related cancer predisposition based on the ACMG/AMP criteria applied as specified by the ENIGMA BRCA1/2 VCEP (PVS1_Moderate (RNA), PM3, PP4_Moderate).

Cambridge Genomics Laboratory, East Genomic Laboratory Hub, NHS Genomic Medicine Service
Classification: Likely pathogenic for Inherited breast cancer and ovarian cancer. Last evaluated: 2026-07-14. Review status: criteria provided, single submitter. Criteria: ACGS Best Practice Guidelines for Variant Classification in Rare Disease 2020. Collection method: clinical testing. Allele origin: germline. Affected: yes. Not counted in ClinVar's aggregate classification.
Comment: PS4,PM3_Supporting,PP3,PP4_Moderate

GeneDx
Classification: Pathogenic. Last evaluated: 2025-12-31. Review status: criteria provided, single submitter. Criteria: GeneDx Variant Classification Process June 2021. Collection method: clinical testing. Allele origin: germline. Affected: yes. Not counted in ClinVar's aggregate classification.
Comment: Non-canonical splice site variant demonstrated to result in loss-of-function (PMID: 30883759, 22505045); Multifactorial likelihood analysis suggests this variant is pathogenic (PMID: 31131967); Not observed at significant frequency in large population cohorts (gnomAD); Also known as 860-3C>G; This variant is associated with the following publications: (PMID: 26913838, 36721989, 34663891, 22505045, 29750258, 25416802, 32123317, 33466630, 33646313, 25381700, 31131967, 30883759, 41450439, 39438962)

Labcorp Genetics (formerly Invitae), Labcorp
Classification: Pathogenic for Hereditary breast ovarian cancer syndrome. Last evaluated: 2025-11-18. Review status: criteria provided, single submitter. Criteria: Invitae Variant Classification Sherloc (09022015). Collection method: clinical testing. Allele origin: germline. Not counted in ClinVar's aggregate classification.
Comment: This sequence change falls in intron 7 of the BRCA2 gene. It does not directly change the encoded amino acid sequence of the BRCA2 protein. RNA analysis indicates that this variant induces altered splicing and may result in an absent or altered protein product. This variant is present in population databases (rs568027879, gnomAD 0.007%). This variant has been observed in individual(s) with a personal and/or family history of breast and/or ovarian cancer (PMID: 22505045, 33466630, 33646313). ClinVar contains an entry for this variant (Variation ID: 219896). Based on a multifactorial likelihood algorithm using genetic, in silico, and/or statistical data, this variant has been determined to have a high probability of being pathogenic (PMID: 31131967). Variants that disrupt the consensus splice site are a relatively common cause of aberrant splicing (PMID: 17576681, 9536098). Studies have shown that this variant results in introduction of a cryptic splice acceptor site, and produces a non-functional protein and/or introduces a premature termination codon (PMID: 22505045, 30883759, 32123317; internal data). For these reasons, this variant has been classified as Pathogenic.

Quest Diagnostics Nichols Institute San Juan Capistrano
Classification: Likely pathogenic. Last evaluated: 2025-04-10. Review status: criteria provided, single submitter. Criteria: Quest Diagnostics criteria. Collection method: clinical testing. Allele origin: unknown. Not counted in ClinVar's aggregate classification.
Comment: The BRCA2 c.632-3C>G has been reported in individuals with breast cancer (PMID: 22505045 (2012), 33466630 (2021), 33646313 (2021), 39438962 (2024)). This variant has also been identified in an individual with Fanconi anemia (FA) who also carried a second pathogenic BRCA2 variant (PMID: 36721989 (2023)). Assessment of experimental evidence suggests this variant results in abnormal RNA splicing (PMID: 22505045 (2012) 30883759 (2019)). The frequency of this variant in the general population (Genome Aggregation Database) is consistent with pathogenicity. Analysis of this variant using software algorithms for the prediction of the effect of nucleotide changes on splicing yielded predictions that this variant may affect proper BRCA2 mRNA splicing (Alamut Visual). Based on the available information, this variant is classified as likely pathogenic.

Ambry Genetics
Classification: Likely pathogenic for Hereditary cancer-predisposing syndrome. Last evaluated: 2025-04-04. Review status: criteria provided, single submitter. Criteria: Ambry Variant Classification Scheme 2023. Collection method: clinical testing. Allele origin: germline. Not counted in ClinVar's aggregate classification.
Comment: The c.632-3C>G intronic variant results from a C to G substitution 3 nucleotides upstream from coding exon 7 in the BRCA2 gene. This alteration was identified as homozygous in a fetus with features consistent with Fanconi anemia (Malric, A et al. Pediatr Blood Cancer 2015 Mar;62(3):463-70). In addition, this variant has been identified in conjunction with another BRCA2 variant in an individual who met clinical criteria for diagnosis of Fanconi anemia (Radulovic I. Hum Mol Genet. 2023 May;32(11):1836-1849). This nucleotide position is well conserved in available vertebrate species. In silico splice site analysis predicts that this alteration will weaken the native splice acceptor site and will result in the creation or strengthening of a novel splice acceptor site. RNA studies have shown that this alteration results in use of this novel cryptic acceptor site two nucleotides upstream of the native site resulting in a frameshifting transcript (Ambry internal data; Houdayer C et al. Hum. Mutat. 2012 Aug;33(8):1228-38; Fraile-Bethencourt E et al. J. Pathol., 2019 08;248:409-420). In addition, this alteration has been shown to result in some amount of an in-frame transcript, known as 6q39_8 in the literature (Ambry internal data; Fraile-Bethencourt E et al. J. Pathol., 2019 08;248:409-420). The 6q39_8 transcript, has been shown to be able to perform homology directed repair in protein functional studies at a near wild-type level (Mesman, RLS et al. Genet Med 2020 08;22(8):1355-1365), therefore may be able to rescue some BRCA2 activity. Based on the majority of available evidence to date, this variant is likely to be pathogenic. However, because this variant is identified in patients with Fanconi Anemia it may be hypomorphic and thus, carriers of this variant and their families may present with reduced risks, and not with the typical clinical characteristics of a high-risk pathogenic BRCA2 alteration. As risk estimates are unknown at this time, clinical correlation is advised.

NM_000059.4(BRCA2):c.632-3C>G

Gene: BRCA2 (BRCA2 DNA repair associated; plus strand). Cytogenetic location: 13q13.1.
Variant type: single nucleotide variant.
Coding change: c.632-3C>G on transcript NM_000059.4 (MANE Select); 3 bases into the intron before coding-DNA position 632, C replaced by G.
Molecular consequence: intron variant.
Genome position (GRCh38, 1-based): chr13:32,329,440, C>G. VCF-style: chr13-32329440-C-G. GRCh37 (hg19) VCF-style: chr13-32903577-C-G.
Other names: IVS7-3C>G.
Identifiers: ClinVar variation 219896 (VCV000219896.62), dbSNP rs568027879, ClinGen allele CA348611.